The following is an entry in ClinVar:

ClinVar aggregate classification (germline): Uncertain significance (1 of 4 stars; one submission).

Allele frequency attached by ClinVar (database versions not stated): ExAC 0.00001; gnomAD exomes 0.00001; TOPMed 0.00002; gnomAD 0.00003; ESP Exome Variant Server 0.00008.

Submission:

Labcorp Genetics (formerly Invitae), Labcorp
Classification: Uncertain significance. Last evaluated: 2022-05-25. Review status: criteria provided, single submitter. Criteria: Invitae Variant Classification Sherloc (09022015). Collection method: clinical testing. Allele origin: germline.
Comment: In summary, the available evidence is currently insufficient to determine the role of this variant in disease. Therefore, it has been classified as a Variant of Uncertain Significance. Algorithms developed to predict the effect of missense changes on protein structure and function are either unavailable or do not agree on the potential impact of this missense change (SIFT: "Deleterious"; PolyPhen-2: "Not Available"; Align-GVGD: "Class C45"). This variant has not been reported in the literature in individuals affected with SRCAP-related conditions. This variant is present in population databases (rs371893814, gnomAD 0.004%). This sequence change replaces arginine, which is basic and polar, with cysteine, which is neutral and slightly polar, at codon 971 of the SRCAP protein (p.Arg971Cys).

NM_006662.3(SRCAP):c.2911C>T (p.Arg971Cys)

Gene: SRCAP (Snf2 related CREBBP activator protein; plus strand). Cytogenetic location: 16p11.2.
Variant type: single nucleotide variant.
Coding change: c.2911C>T on transcript NM_006662.3 (MANE Select); coding-DNA position 2911, C replaced by T.
Protein change: p.Arg971Cys; replaces arginine 971 with cysteine.
Molecular consequence: missense variant.
Genome position (GRCh38, 1-based): chr16:30,720,255, C>T. VCF-style: chr16-30720255-C-T. GRCh37 (hg19) VCF-style: chr16-30731576-C-T.
Other names: short protein forms R971C.
Identifiers: ClinVar variation 1917281 (VCV001917281.5), dbSNP rs371893814, ClinGen allele CA8011349.